The following is an entry in ClinVar:

ClinVar aggregate classification (germline): Likely pathogenic (1 of 4 stars; one submission).

Conditions:
SHANK3-related disorder. Also called: SHANK3-related condition.

Submission:

PreventionGenetics, part of Exact Sciences
Classification: Likely pathogenic for SHANK3-related condition. Last evaluated: 2023-02-10. Review status: criteria provided, single submitter. Criteria: ACMG Guidelines, 2015. Collection method: clinical testing. Allele origin: germline.
Comment: The SHANK3 c.278A>G variant is predicted to result in the amino acid substitution p.Lys93Arg. To our knowledge, this variant has not been reported in the literature or in a large population database, indicating this variant is rare. This variant is interpreted as likely pathogenic.

NM_001372044.2(SHANK3):c.503A>G (p.Lys168Arg)

Gene: SHANK3 (SH3 and multiple ankyrin repeat domains 3; plus strand). Cytogenetic location: 22q13.33.
Variant type: single nucleotide variant.
Coding change: c.503A>G on transcript NM_001372044.2 (MANE Select); coding-DNA position 503, A replaced by G.
Protein change: p.Lys168Arg; replaces lysine 168 with arginine.
Molecular consequence: missense variant.
Genome position (GRCh38, 1-based): chr22:50,676,632, A>G. VCF-style: chr22-50676632-A-G. GRCh37 (hg19) VCF-style: chr22-51115060-A-G.
Other names: c.278A>G, p.Lys93Arg (NM_033517.1); short protein forms K168R, K93R.
Identifiers: ClinVar variation 2629987 (VCV002629987.1), dbSNP rs2518371253, ClinGen allele CA515251914.